The following is an entry in ClinVar:

ClinVar aggregate classification (germline): Uncertain significance. Review status: criteria provided, multiple submitters, no conflicts (2 of 4 stars). 4 submissions from 4 submitters: Uncertain significance (4). Last evaluated 2024-03-27.

Conditions:
Inborn genetic diseases. Identifiers: MedGen C0950123, MeSH D030342.
Donnai-Barrow syndrome. Also called: DBS/FOAR SYNDROME; FACIOOCULOACOUSTICORENAL SYNDROME. Identifiers: Orphanet 2143, MedGen C1857277, MONDO:0009104, OMIM 222448.

Allele frequency attached by ClinVar (database versions not stated): TOPMed 0.00001; gnomAD exomes 0.00003 and 0.00007; ExAC 0.00006.
gnomAD v4.1: 17 of 1,614,036 alleles (0.0011%); highest among the groups gnomAD compares: Admixed American, 0.028%; no homozygotes.

Submissions (4):

Fulgent Genetics
Classification: Uncertain significance for Donnai-Barrow syndrome. Last evaluated: 2024-03-27. Review status: criteria provided, single submitter. Criteria: ACMG Guidelines, 2015. Collection method: clinical testing. Allele origin: germline.

Labcorp Genetics (formerly Invitae), Labcorp
Classification: Uncertain significance. Last evaluated: 2022-08-07. Review status: criteria provided, single submitter. Criteria: Invitae Variant Classification Sherloc (09022015). Collection method: clinical testing. Allele origin: germline.
Comment: This sequence change replaces leucine, which is neutral and non-polar, with tryptophan, which is neutral and slightly polar, at codon 2078 of the LRP2 protein (p.Leu2078Trp). This variant is present in population databases (rs760347752, gnomAD 0.05%). This variant has not been reported in the literature in individuals affected with LRP2-related conditions. ClinVar contains an entry for this variant (Variation ID: 1444422). Advanced modeling of protein sequence and biophysical properties (such as structural, functional, and spatial information, amino acid conservation, physicochemical variation, residue mobility, and thermodynamic stability) performed at Invitae indicates that this missense variant is expected to disrupt LRP2 protein function. In summary, the available evidence is currently insufficient to determine the role of this variant in disease. Therefore, it has been classified as a Variant of Uncertain Significance.

Baylor Genetics
Classification: Uncertain significance for Donnai-Barrow syndrome. Last evaluated: 2021-03-12. Review status: criteria provided, single submitter. Criteria: ACMG Guidelines, 2015. Collection method: clinical testing. Allele origin: unknown.

Ambry Genetics
Classification: Uncertain significance for Inborn genetic diseases. Last evaluated: 2021-02-11. Review status: criteria provided, single submitter. Criteria: Ambry Variant Classification Scheme 2023. Collection method: clinical testing. Allele origin: germline.
Comment: The c.6233T>G (p.L2078W) alteration is located in exon 37 (coding exon 37) of the LRP2 gene. This alteration results from a T to G substitution at nucleotide position 6233, causing the leucine (L) at amino acid position 2078 to be replaced by a tryptophan (W). Based on data from the Genome Aggregation Database (gnomAD) database, the LRP2 c.6233T>G alteration was observed in 0.01% (17/250836) of total alleles studied, with a frequency of 0.05% (17/34578) in the Latino subpopulation. The in silico prediction for the p.L2078W alteration is inconclusive. Based on insufficient or conflicting evidence, the clinical significance of this alteration remains unclear.

NM_004525.3(LRP2):c.6233T>G (p.Leu2078Trp)

Gene: LRP2 (LDL receptor related protein 2; minus strand). Cytogenetic location: 2q31.1.
Variant type: single nucleotide variant.
Coding change: c.6233T>G on transcript NM_004525.3 (MANE Select); coding-DNA position 6233, T replaced by G.
Protein change: p.Leu2078Trp; replaces leucine 2078 with tryptophan.
Molecular consequence: missense variant.
Genome position (GRCh38, 1-based): chr2:169,212,015, A>C on the plus strand (T>G on the coding strand, the complement: LRP2 is on the minus strand). VCF-style: chr2-169212015-A-C. GRCh37 (hg19) VCF-style: chr2-170068525-A-C.
Other names: c.6233T>G (NM_004525.2); short protein forms L2078W.
Identifiers: ClinVar variation 1444422 (VCV001444422.6), dbSNP rs760347752, ClinGen allele CA1954341.